The following is an entry in ClinVar:

ClinVar aggregate classification (germline): Uncertain significance (1 of 4 stars; one submission).

Allele frequency attached by ClinVar (database versions not stated): gnomAD exomes below 0.00001.
gnomAD v4.1: 5 of 1,610,770 alleles (0.00031%); highest among the groups gnomAD compares: Non-Finnish European, 0.00042%; no homozygotes.

Submission:

CeGaT Center for Human Genetics Tuebingen
Classification: Uncertain significance. Last evaluated: 2023-08-01. Review status: criteria provided, single submitter. Criteria: CeGaT Center For Human Genetics Tuebingen Variant Classification Criteria Version 2. Collection method: clinical testing. Allele origin: germline. Affected: yes. Observed: 1 variant allele.
Comment: SATB1: PM2, BP4

NM_002971.6(SATB1):c.212-3T>C

Gene: SATB1 (SATB homeobox 1; minus strand). Cytogenetic location: 3p24.3.
Variant type: single nucleotide variant.
Coding change: c.212-3T>C on transcript NM_002971.6 (MANE Select); 3 bases into the intron before coding-DNA position 212, T replaced by C.
Molecular consequence: intron variant.
Genome position (GRCh38, 1-based): chr3:18,417,081, A>G on the plus strand (T>C on the coding strand, the complement: SATB1 is on the minus strand). VCF-style: chr3-18417081-A-G. GRCh37 (hg19) VCF-style: chr3-18458573-A-G.
Other names: c.212-3T>C (NM_001322874.2, NM_001322872.2, NM_001322873.2 and 4 more transcripts); c.-5-3T>C (NM_001322876.2).
Identifiers: ClinVar variation 2653619 (VCV002653619.24), dbSNP rs2470805531, ClinGen allele CA2664719389.
Genomic context (GRCh38, chr3:18,417,081, plus strand): 5'-TCATATTCAATGGCGTTTTCATAATGTTCCACCACACAGAAAACTGGCAGCATGGTTCCT[A>G]TCAAAAAGATGAAGAAGAAGAGATGGAAAACCAACAATCTTCAGAAATACAGCTTGGGGG-3'